The following is an entry in ClinVar:

ClinVar aggregate classification (germline): Likely pathogenic (1 of 4 stars; one submission).

Conditions:
DYSF-related disorder. Also called: DYSF-related condition; DYSF-related disorders.

Submission:

3billion
Classification: Likely pathogenic for DYSF-related disorder. Last evaluated: 2025-12-15. Review status: criteria provided, single submitter. Criteria: ACMG Guidelines, 2015. Collection method: clinical testing. Allele origin: germline. Affected: yes.
Comment: The variant is not observed in the gnomAD v4.1.0 dataset. Predicted Consequence/Location: Canonical splice site: predicted to alter splicing and result in a loss or disruption of normal protein function. Multiple pathogenic loss-of-function variants are reported downstream of the variant. In silico tools predict the variant to alter splicing and produce an abnormal transcript [SpliceAI: 0.98 (spliceogenicity >=0.2, non-spliceogenicity <0.1)]. Therefore, this variant is classified as Likely pathogenic according to the recommendation of ACMG/AMP guideline.

NM_001130987.2(DYSF):c.5785-2A>T

Gene: DYSF (dysferlin; plus strand). Cytogenetic location: 2p13.2.
Variant type: single nucleotide variant.
Coding change: c.5785-2A>T on transcript NM_001130987.2 (MANE Select); the canonical splice acceptor site of the intron before coding-DNA position 5785, A replaced by T.
Molecular consequence: splice acceptor variant.
Genome position (GRCh38, 1-based): chr2:71,674,195, A>T. VCF-style: chr2-71674195-A-T. GRCh37 (hg19) VCF-style: chr2-71901325-A-T.
Other names: c.5761-2A>T (NM_001130979.2); c.5782-2A>T (NM_001130981.2); c.5719-2A>T (NM_001130980.2); c.5731-2A>T (NM_001130978.2); c.5668-2A>T (NM_003494.4); c.5689-2A>T (NM_001130977.2); c.5626-2A>T (NM_001130976.2); c.5764-2A>T (NM_001130982.2); and 5 more.
Identifiers: ClinVar variation 4855559 (VCV004855559.1).